The following is an entry in ClinVar:

ClinVar aggregate classification (germline): Uncertain significance (1 of 4 stars; one submission).

Allele frequency attached by ClinVar (database versions not stated): TOPMed 0.00001; gnomAD exomes 0.00002; gnomAD 0.00001; ExAC 0.00002.
gnomAD v4.1: 30 of 1,600,926 alleles (0.0019%); highest among the groups gnomAD compares: South Asian, 0.018%; no homozygotes.

Submission:

Labcorp Genetics (formerly Invitae), Labcorp
Classification: Uncertain significance. Last evaluated: 2026-01-13. Review status: criteria provided, single submitter. Criteria: Invitae Variant Classification Sherloc (09022015). Collection method: clinical testing. Allele origin: germline.
Comment: This sequence change replaces alanine, which is neutral and non-polar, with valine, which is neutral and non-polar, at codon 124 of the NFE2L2 protein (p.Ala124Val). This variant is present in population databases (rs749353894, gnomAD 0.02%). This variant has not been reported in the literature in individuals affected with NFE2L2-related conditions. ClinVar contains an entry for this variant (Variation ID: 2721368). Invitae Evidence Modeling of protein sequence and biophysical properties (such as structural, functional, and spatial information, amino acid conservation, physicochemical variation, residue mobility, and thermodynamic stability) has been performed for this missense variant. However, the output from this modeling did not meet the statistical confidence thresholds required to predict the impact of this variant on NFE2L2 protein function. In summary, the available evidence is currently insufficient to determine the role of this variant in disease. Therefore, it has been classified as a Variant of Uncertain Significance.

NM_006164.5(NFE2L2):c.371C>T (p.Ala124Val)

Gene: NFE2L2 (NFE2 like bZIP transcription factor 2; minus strand). Cytogenetic location: 2q31.2.
Variant type: single nucleotide variant.
Coding change: c.371C>T on transcript NM_006164.5 (MANE Select); coding-DNA position 371, C replaced by T.
Protein change: p.Ala124Val; replaces alanine 124 with valine.
Molecular consequence: missense variant. On other transcripts: intron variant (1).
Genome position (GRCh38, 1-based): chr2:177,233,281, G>A on the plus strand (C>T on the coding strand, the complement: NFE2L2 is on the minus strand). VCF-style: chr2-177233281-G-A. GRCh37 (hg19) VCF-style: chr2-178098009-G-A.
Other names: c.323C>T, p.Ala108Val (NM_001145412.3, NM_001145413.3, NM_001313900.1 and 1 more transcripts); c.152C>T, p.Ala51Val (NM_001313903.2); c.71C>T, p.Ala24Val (NM_001313904.1); c.313-698C>T (NM_001313902.2); short protein forms A108V, A124V, A24V, A51V.
Identifiers: ClinVar variation 2721368 (VCV002721368.3), dbSNP rs749353894, ClinGen allele CA1979901.
Genomic context (GRCh38, chr2:177,233,281, plus strand): 5'-TCTATTAACCAGGTTATTTTATACCTCACCTCATTGTCATCTACAAACGGGAATGTCTGC[G>A]CCAAAAGCTGCATGCAGTCATCAAAGTACAAAGCATCTGATTTGGGAATGTGGGCAACCT-3'
Protein context (NP_006155.2, residues 114-134): LYFDDCMQLL[Ala124Val]QTFPFVDDNE